The following is an entry in ClinVar:

NM_015202.5(KATNIP):c.4055A>T (p.Asn1352Ile)

Genes: KATNIP (katanin interacting protein; plus strand), LOC126862323 (P300/CBP strongly-dependent group 1 enhancer GRCh37_chr16:27780758-27781957; plus strand). Cytogenetic location: 16p12.1.
Variant type: single nucleotide variant.
Coding change: c.4055A>T on transcript NM_015202.5 (MANE Select); coding-DNA position 4055, A replaced by T.
Protein change: p.Asn1352Ile; replaces asparagine 1352 with isoleucine.
Molecular consequence: missense variant.
Genome position (GRCh38, 1-based): chr16:27,769,940, A>T. VCF-style: chr16-27769940-A-T. GRCh37 (hg19) VCF-style: chr16-27781261-A-T.
Other names: short protein forms N1352I.
Identifiers: ClinVar variation 4698543 (VCV004698543.2).

ClinVar aggregate classification (germline): Uncertain significance. Review status: criteria provided, multiple submitters, no conflicts (2 of 4 stars). 2 submissions from 2 submitters: Uncertain significance (2). Last evaluated 2025-09-14.

gnomAD v4.1: 2 of 1,614,232 alleles (0.00012%); highest among the groups gnomAD compares: Non-Finnish European, 0.00017%; no homozygotes.

Submissions (2):

Labcorp Genetics (formerly Invitae), Labcorp
Classification: Uncertain significance. Last evaluated: 2025-09-14. Review status: criteria provided, single submitter. Criteria: Invitae Variant Classification Sherloc (09022015). Collection method: clinical testing. Allele origin: germline.
Comment: This sequence change replaces asparagine, which is neutral and polar, with isoleucine, which is neutral and non-polar, at codon 1352 of the KIAA0556 protein (p.Asn1352Ile). This variant is not present in population databases (gnomAD no frequency). This variant has not been reported in the literature in individuals affected with KIAA0556-related conditions. An algorithm developed to predict the effect of missense changes on protein structure and function (PolyPhen-2) suggests that this variant is likely to be disruptive. In summary, the available evidence is currently insufficient to determine the role of this variant in disease. Therefore, it has been classified as a Variant of Uncertain Significance.

Blueprint Genetics
Classification: Uncertain significance. Last evaluated: 2024-07-09. Review status: criteria provided, single submitter. Criteria: ACMG Guidelines, 2015. Collection method: clinical testing. Allele origin: germline.